The following is an entry in ClinVar:

NM_139319.3(SLC17A8):c.766A>T (p.Met256Leu)

Gene: SLC17A8 (solute carrier family 17 member 8; plus strand). Cytogenetic location: 12q23.1.
Variant type: single nucleotide variant.
Coding change: c.766A>T on transcript NM_139319.3 (MANE Select); coding-DNA position 766, A replaced by T.
Protein change: p.Met256Leu; replaces methionine 256 with leucine.
Molecular consequence: missense variant.
Genome position (GRCh38, 1-based): chr12:100,402,342, A>T. VCF-style: chr12-100402342-A-T. GRCh37 (hg19) VCF-style: chr12-100796120-A-T.
Other names: c.766A>T, p.Met256Leu (NM_001145288.2); short protein forms M256L.
Identifiers: ClinVar variation 2002071 (VCV002002071.4), dbSNP rs751132044, ClinGen allele CA386218675.

ClinVar aggregate classification (germline): Uncertain significance (1 of 4 stars; one submission).

gnomAD v4.1: 1 of 1,614,106 alleles (0.000062%); highest among the groups gnomAD compares: South Asian, 0.0011%; no homozygotes.

Submission:

Labcorp Genetics (formerly Invitae), Labcorp
Classification: Uncertain significance. Last evaluated: 2022-07-09. Review status: criteria provided, single submitter. Criteria: Invitae Variant Classification Sherloc (09022015). Collection method: clinical testing. Allele origin: germline.
Comment: This variant has not been reported in the literature in individuals affected with SLC17A8-related conditions. This variant is not present in population databases (gnomAD no frequency). This sequence change replaces methionine, which is neutral and non-polar, with leucine, which is neutral and non-polar, at codon 256 of the SLC17A8 protein (p.Met256Leu). In summary, the available evidence is currently insufficient to determine the role of this variant in disease. Therefore, it has been classified as a Variant of Uncertain Significance. Algorithms developed to predict the effect of missense changes on protein structure and function (SIFT, PolyPhen-2, Align-GVGD) all suggest that this variant is likely to be tolerated.